The following is an entry in ClinVar:

ClinVar aggregate classification (germline): Uncertain significance. Review status: criteria provided, single submitter (1 of 4 stars). 2 submissions from 2 submitters: Uncertain significance (1). 1 of the submissions does not count toward it. Last evaluated 2022-08-09.

Conditions:
Arrhythmogenic right ventricular dysplasia 13. Also called: Arrhythmogenic right ventricular dysplasia, familial, 13; ARRHYTHMOGENIC RIGHT VENTRICULAR CARDIOMYOPATHY 13. Identifiers: MedGen C3810138, MONDO:0000908, OMIM 615616.
CTNNA3-related disorder. Also called: CTNNA3-related condition.

Submissions (2):

Labcorp Genetics (formerly Invitae), Labcorp
Classification: Uncertain significance for Arrhythmogenic right ventricular dysplasia 13. Last evaluated: 2022-08-09. Review status: criteria provided, single submitter. Criteria: Invitae Variant Classification Sherloc (09022015). Collection method: clinical testing. Allele origin: germline.
Comment: In summary, the available evidence is currently insufficient to determine the role of this variant in disease. Therefore, it has been classified as a Variant of Uncertain Significance. Algorithms developed to predict the effect of sequence changes on RNA splicing suggest that this variant may disrupt the consensus splice site. ClinVar contains an entry for this variant (Variation ID: 862873). This variant has not been reported in the literature in individuals affected with CTNNA3-related conditions. This variant is not present in population databases (gnomAD no frequency). This sequence change affects a donor splice site in intron 8 of the CTNNA3 gene. It is expected to disrupt RNA splicing. Variants that disrupt the donor or acceptor splice site typically lead to a loss of protein function (PMID: 16199547), however the current clinical and genetic evidence is not sufficient to establish whether loss-of-function variants in CTNNA3 cause disease.

PreventionGenetics, part of Exact Sciences
Classification: Uncertain significance for CTNNA3-related condition. Last evaluated: 2023-11-21. Review status: no assertion criteria provided. Collection method: clinical testing. Allele origin: germline. Not counted in ClinVar's aggregate classification.
Comment: The CTNNA3 c.1128+2T>C variant is predicted to disrupt the GT donor site and interfere with normal splicing. To our knowledge, this variant has not been reported in the literature or in a large population database, indicating this variant is rare. Although we suspect that this variant may be pathogenic, at this time, the clinical significance of this variant is uncertain due to the absence of conclusive functional and genetic evidence.

Literature cited by the submitters: PubMed 16199547 (cited by Labcorp Genetics (formerly Invitae), Labcorp).

NM_013266.4(CTNNA3):c.1128+2T>C

Gene: CTNNA3 (catenin alpha 3; minus strand). Cytogenetic location: 10q21.3.
Variant type: single nucleotide variant.
Coding change: c.1128+2T>C on transcript NM_013266.4 (MANE Select); the canonical splice donor site of the intron after coding-DNA position 1128, T replaced by C.
Molecular consequence: splice donor variant.
Genome position (GRCh38, 1-based): chr10:66,775,442, A>G on the plus strand (T>C on the coding strand, the complement: CTNNA3 is on the minus strand). VCF-style: chr10-66775442-A-G. GRCh37 (hg19) VCF-style: chr10-68535200-A-G.
Other names: c.1128+2T>C (NM_001127384.3).
Identifiers: ClinVar variation 862873 (VCV000862873.10), dbSNP rs1564675010, ClinGen allele CA377092100.
Genomic context (GRCh38, chr10:66,775,442, plus strand): 5'-CAATGAATAACAGTTTCATTTAGCCCCTATGTTTCTGACTCCATATCTCTCTCTTCCCTC[A>G]CCTGTCTGCGAAGGTCTCTTGTCTTCTTACACATGTTGTCTAAAGCAATATTCAGGGTAT-3'